The following is an entry in ClinVar:

NM_000183.3(HADHB):c.686G>C (p.Arg229Pro)

Gene: HADHB (hydroxyacyl-CoA dehydrogenase trifunctional multienzyme complex subunit beta; plus strand). Cytogenetic location: 2p23.3.
Variant type: single nucleotide variant.
Coding change: c.686G>C on transcript NM_000183.3 (MANE Select); coding-DNA position 686, G replaced by C.
Protein change: p.Arg229Pro; replaces arginine 229 with proline.
Molecular consequence: missense variant.
Genome position (GRCh38, 1-based): chr2:26,279,190, G>C. VCF-style: chr2-26279190-G-C. GRCh37 (hg19) VCF-style: chr2-26502058-G-C.
Other names: c.641G>C, p.Arg214Pro (NM_001281512.2); c.620G>C, p.Arg207Pro (NM_001281513.2); short protein forms R207P, R214P, R229P.
Identifiers: ClinVar variation 4847354 (VCV004847354.1).
Genomic context (GRCh38, chr2:26,279,190, plus strand): 5'-CCCAGCTCCCTGCGGTTTCTGAGTTCTCCACCAGTGAGACCATGGGCCACTCTGCAGACC[G>C]ACTGGCCGCTGCCTTTGCTGTTTCTCGGCTGGAACAGGATGAATATGCACTGCGCTCTCA-3'
Protein context (NP_000174.1, residues 219-239): TSETMGHSAD[Arg229Pro]LAAAFAVSRL

ClinVar aggregate classification (germline): Uncertain significance (1 of 4 stars; one submission).

gnomAD v4.1: 1 of 1,613,862 alleles (0.000062%); highest among the groups gnomAD compares: South Asian, 0.0011%; no homozygotes.

Submission:

Women's Health and Genetics/Laboratory Corporation of America, LabCorp
Classification: Uncertain significance. Last evaluated: 2026-03-10. Review status: criteria provided, single submitter. Criteria: LabCorp Variant Classification Summary - May 2015. Collection method: clinical testing. Allele origin: germline.
Comment: Variant summary: HADHB c.686G>C (p.Arg229Pro) results in a non-conservative amino acid change in the encoded protein sequence. Algorithms developed to predict the effect of missense changes on protein structure and function all suggest that this variant is likely to be disruptive. The variant was absent in 251326 control chromosomes. The available data on variant occurrences in the general population are insufficient to allow any conclusion about variant significance. To our knowledge, no occurrence of c.686G>C in individuals affected with HADHB-related conditions and no experimental evidence demonstrating its impact on protein function have been reported. No submitters have cited clinical-significance assessments for this variant to ClinVar. Based on the evidence outlined above, the variant was classified as uncertain significance.